The following is an entry in ClinVar:

ClinVar aggregate classification (germline): Uncertain significance. Review status: criteria provided, multiple submitters, no conflicts (2 of 4 stars). 3 submissions from 3 submitters: Uncertain significance (3). Last evaluated 2025-07-21.

Conditions:
Malignant hyperthermia, susceptibility to, 1 (MHS1). Also called: RYR1-Related Malignant Hyperthermia Susceptibility; Malignant hyperthermia suceptibility 1; Anesthesia related hyperthermia; Malignant hyperpyrexia; Fulminating hyperpyrexia; Pharmacogenic myopathy. Identifiers: Orphanet 423, MedGen C2930980, MONDO:0007783, OMIM 145600.
RYR1-related disorder. Also called: RYR1-related disorders; RYR1-related condition. Identifiers: MedGen CN239331.

Allele frequency attached by ClinVar (database versions not stated): gnomAD exomes below 0.00001.
gnomAD v4.1: 2 of 1,614,012 alleles (0.00012%); highest among the groups gnomAD compares: Non-Finnish European, 0.00017%; no homozygotes.

Submissions (3):

Color Diagnostics, LLC DBA Color Health
Classification: Uncertain significance for Malignant hyperthermia, susceptibility to, 1. Last evaluated: 2025-07-21. Review status: criteria provided, single submitter. Criteria: ACMG Guidelines, 2015. Collection method: clinical testing. Allele origin: germline.
Comment: This missense variant replaces lysine with asparagine at codon 3515 of the RYR1 protein. Computational prediction suggests that this variant may have deleterious impact on protein structure and function. To our knowledge, functional studies have not been reported for this variant. This variant has not been reported in individuals affected with RYR1-related disorders in the literature. This variant has not been identified in the general population by the Genome Aggregation Database (gnomAD). The available evidence is insufficient to determine the role of this variant in disease conclusively. Therefore, this variant is classified as a Variant of Uncertain Significance.

All of Us Research Program, National Institutes of Health
Classification: Uncertain significance for Malignant hyperthermia, susceptibility to, 1. Last evaluated: 2023-08-08. Review status: criteria provided, single submitter. Criteria: ACMG Guidelines, 2015. Collection method: clinical testing. Allele origin: germline. Inheritance: Autosomal dominant inheritance. Observed: 2 variant alleles, 2 heterozygotes.
Comment: This missense variant replaces lysine with asparagine at codon 3515 of the RYR1 protein. Computational prediction suggests that this variant may have deleterious impact on protein structure and function (internally defined REVEL score threshold >= 0.7, PMID: 27666373). To our knowledge, functional studies have not been reported for this variant. This variant has not been reported in individuals affected with RYR1-related disorders in the literature. This variant has not been identified in the general population by the Genome Aggregation Database (gnomAD). The available evidence is insufficient to determine the role of this variant in disease conclusively. Therefore, this variant is classified as a Variant of Uncertain Significance.

This study involves interpretation of variants in research participants for the purpose of population health screening. Participant phenotype was not available at the time of variant classification. Additional details can be found in publication PMID: 35346344, PMCID: PMC8962531

Labcorp Genetics (formerly Invitae), Labcorp
Classification: Uncertain significance for RYR1-related disorder. Last evaluated: 2020-02-05. Review status: criteria provided, single submitter. Criteria: Invitae Variant Classification Sherloc (09022015). Collection method: clinical testing. Allele origin: germline.
Comment: In summary, the available evidence is currently insufficient to determine the role of this variant in disease. Therefore, it has been classified as a Variant of Uncertain Significance. Algorithms developed to predict the effect of missense changes on protein structure and function are either unavailable or do not agree on the potential impact of this missense change (SIFT: "Deleterious"; PolyPhen-2: "Benign"; Align-GVGD: "Class C0"). This variant has not been reported in the literature in individuals with RYR1-related conditions. This variant is not present in population databases (ExAC no frequency). This sequence change replaces lysine with asparagine at codon 3515 of the RYR1 protein (p.Lys3515Asn). The lysine residue is highly conserved and there is a moderate physicochemical difference between lysine and asparagine.

NM_000540.3(RYR1):c.10545G>C (p.Lys3515Asn)

Gene: RYR1 (ryanodine receptor 1; plus strand). Cytogenetic location: 19q13.2.
Variant type: single nucleotide variant.
Coding change: c.10545G>C on transcript NM_000540.3 (MANE Select); coding-DNA position 10545, G replaced by C.
Protein change: p.Lys3515Asn; replaces lysine 3515 with asparagine.
Molecular consequence: missense variant.
Genome position (GRCh38, 1-based): chr19:38,525,421, G>C. VCF-style: chr19-38525421-G-C. GRCh37 (hg19) VCF-style: chr19-39016061-G-C.
Other names: c.10530G>C, p.Lys3510Asn (NM_001042723.2); short protein forms K3510N, K3515N.
Identifiers: ClinVar variation 1026020 (VCV001026020.10), dbSNP rs1971424152, ClinGen allele CA405643670.
Genomic context (GRCh38, chr19:38,525,421, plus strand): 5'-GAAGAAGCGCCGGGGGGACCGGTACTCTGTGCAGACGTCACTGATCGTGGCCACACTGAA[G>C]AAGATGCTGCCCATCGGCCTGAATATGTGTGCGCCCACCGACCAAGACCTCATCACGCTG-3'
Protein context (NP_000531.2, residues 3505-3525): VQTSLIVATL[Lys3515Asn]KMLPIGLNMC